The following is an entry in ClinVar:

NM_006662.3(SRCAP):c.6049C>T (p.Arg2017Trp)

Gene: SRCAP (Snf2 related CREBBP activator protein; plus strand). Cytogenetic location: 16p11.2.
Variant type: single nucleotide variant.
Coding change: c.6049C>T on transcript NM_006662.3 (MANE Select); coding-DNA position 6049, C replaced by T.
Protein change: p.Arg2017Trp; replaces arginine 2017 with tryptophan.
Molecular consequence: missense variant.
Genome position (GRCh38, 1-based): chr16:30,729,494, C>T. VCF-style: chr16-30729494-C-T. GRCh37 (hg19) VCF-style: chr16-30740815-C-T.
Other names: c.6049C>T (NM_006662.2); short protein forms R2017W.
Identifiers: ClinVar variation 2707206 (VCV002707206.4), dbSNP rs369481213, ClinGen allele CA8012133.
Genomic context (GRCh38, chr16:30,729,494, plus strand): 5'-CCTTGGCTGGCCCCACGTCAGGCAGCCTTCCAGGAGCAATTGGCCTCTGAGCTCTGGCCC[C>T]GGGCTCGTCCTTTGCACCGTATTGTGTGTAACATGCGCACCCAGTTCCCTGACTTAAGAC-3'
Protein context (NP_006653.2, residues 2007-2027): QEQLASELWP[Arg2017Trp]ARPLHRIVCN

ClinVar aggregate classification (germline): Uncertain significance. Review status: criteria provided, multiple submitters, no conflicts (2 of 4 stars). 2 submissions from 2 submitters: Uncertain significance (2). Last evaluated 2024-10-04.

Conditions:
Inborn genetic diseases. Identifiers: MedGen C0950123, MeSH D030342.

Allele frequency attached by ClinVar (database versions not stated): ESP Exome Variant Server 0.00008.
gnomAD v4.1: 32 of 1,614,084 alleles (0.002%); highest among the groups gnomAD compares: Non-Finnish European, 0.0026%; no homozygotes.

Submissions (2):

Ambry Genetics
Classification: Uncertain significance for Inborn genetic diseases. Last evaluated: 2024-10-04. Review status: criteria provided, single submitter. Criteria: Ambry Variant Classification Scheme 2023. Collection method: clinical testing. Allele origin: germline.

Labcorp Genetics (formerly Invitae), Labcorp
Classification: Uncertain significance. Last evaluated: 2023-09-18. Review status: criteria provided, single submitter. Criteria: Invitae Variant Classification Sherloc (09022015). Collection method: clinical testing. Allele origin: germline.
Comment: In summary, the available evidence is currently insufficient to determine the role of this variant in disease. Therefore, it has been classified as a Variant of Uncertain Significance. Advanced modeling of protein sequence and biophysical properties (such as structural, functional, and spatial information, amino acid conservation, physicochemical variation, residue mobility, and thermodynamic stability) performed at Invitae indicates that this missense variant is not expected to disrupt SRCAP protein function. This variant has not been reported in the literature in individuals affected with SRCAP-related conditions. This variant is present in population databases (rs369481213, gnomAD 0.005%). This sequence change replaces arginine, which is basic and polar, with tryptophan, which is neutral and slightly polar, at codon 2017 of the SRCAP protein (p.Arg2017Trp).